The following is an entry in ClinVar:

NM_152384.3(BBS5):c.1009T>C (p.Trp337Arg)

Gene: BBS5 (Bardet-Biedl syndrome 5; plus strand). Cytogenetic location: 2q31.1.
Variant type: single nucleotide variant.
Coding change: c.1009T>C on transcript NM_152384.3 (MANE Select); coding-DNA position 1009, T replaced by C.
Protein change: p.Trp337Arg; replaces tryptophan 337 with arginine.
Molecular consequence: missense variant.
Genome position (GRCh38, 1-based): chr2:169,504,565, T>C. VCF-style: chr2-169504565-T-C. GRCh37 (hg19) VCF-style: chr2-170361075-T-C.
Other names: short protein forms W337R.
Identifiers: ClinVar variation 1977395 (VCV001977395.5), dbSNP rs1559126771, ClinGen allele CA349170520.

ClinVar aggregate classification (germline): Uncertain significance (1 of 4 stars; one submission).

Conditions:
Bardet-Biedl syndrome (BBS). Identifiers: Orphanet 110, MedGen C0752166, MONDO:0015229.

Allele frequency attached by ClinVar (database versions not stated): gnomAD 0.00001; TOPMed 0.00001; gnomAD exomes 0.00002.
gnomAD v4.1: 24 of 1,611,828 alleles (0.0015%); highest among the groups gnomAD compares: Non-Finnish European, 0.002%; no homozygotes.

Submission:

Labcorp Genetics (formerly Invitae), Labcorp
Classification: Uncertain significance for Bardet-Biedl syndrome. Last evaluated: 2024-10-15. Review status: criteria provided, single submitter. Criteria: Invitae Variant Classification Sherloc (09022015). Collection method: clinical testing. Allele origin: germline.
Comment: This sequence change replaces tryptophan, which is neutral and slightly polar, with arginine, which is basic and polar, at codon 337 of the BBS5 protein (p.Trp337Arg). This variant is not present in population databases (gnomAD no frequency). This variant has not been reported in the literature in individuals affected with BBS5-related conditions. ClinVar contains an entry for this variant (Variation ID: 1977395). Invitae Evidence Modeling of protein sequence and biophysical properties (such as structural, functional, and spatial information, amino acid conservation, physicochemical variation, residue mobility, and thermodynamic stability) indicates that this missense variant is expected to disrupt BBS5 protein function with a positive predictive value of 80%. In summary, the available evidence is currently insufficient to determine the role of this variant in disease. Therefore, it has been classified as a Variant of Uncertain Significance.